The following is an entry in ClinVar:

NM_001042492.3(NF1):c.6921+1G>C

Gene: NF1 (neurofibromin 1; plus strand). Cytogenetic location: 17q11.2.
Variant type: single nucleotide variant.
Coding change: c.6921+1G>C on transcript NM_001042492.3 (MANE Select); the canonical splice donor site of the intron after coding-DNA position 6921, G replaced by C.
Molecular consequence: splice donor variant.
Genome position (GRCh38, 1-based): chr17:31,338,806, G>C. VCF-style: chr17-31338806-G-C. GRCh37 (hg19) VCF-style: chr17-29665824-G-C.
Other names: c.6858+1G>C (NM_000267.4).
Identifiers: ClinVar variation 835698 (VCV000835698.7), dbSNP rs1060500355, ClinGen allele CA399014458.

ClinVar aggregate classification (germline): Pathogenic (1 of 4 stars; one submission).

Conditions:
Neurofibromatosis, type 1 (NF1). Also called: Peripheral type neurofibromatosis; Neurofibromatosis, type I; VON RECKLINGHAUSEN DISEASE; NEUROFIBROMATOSIS, TYPE I, SOMATIC. Identifiers: Orphanet 636, MedGen C0027831, MONDO:0018975, OMIM 162200. Disease mechanism: loss of function.

Submission:

Labcorp Genetics (formerly Invitae), Labcorp
Classification: Pathogenic for Neurofibromatosis, type 1. Last evaluated: 2022-05-09. Review status: criteria provided, single submitter. Criteria: Invitae Variant Classification Sherloc (09022015). Collection method: clinical testing. Allele origin: germline.
Comment: This variant is also known as IVS37+1G>C. Disruption of this splice site has been observed in individuals with neurofibromatosis type 1 (PMID: 10607834, 11857752, 17311297, 17426081). This variant is not present in population databases (gnomAD no frequency). This sequence change affects a donor splice site in intron 45 of the NF1 gene. It is expected to disrupt RNA splicing. Variants that disrupt the donor or acceptor splice site typically lead to a loss of protein function (PMID: 16199547), and loss-of-function variants in NF1 are known to be pathogenic (PMID: 10712197, 23913538). For these reasons, this variant has been classified as Pathogenic. Algorithms developed to predict the effect of sequence changes on RNA splicing suggest that this variant may disrupt the consensus splice site. ClinVar contains an entry for this variant (Variation ID: 835698).

Literature cited by the submitters: PubMed 10607834; PubMed 11857752; PubMed 17311297; PubMed 17426081; PubMed 16199547; PubMed 10712197; PubMed 23913538.